The following is an entry in ClinVar:

ClinVar aggregate classification (germline): Uncertain significance (1 of 4 stars; one submission).

Submission:

GeneDx
Classification: Uncertain significance. Last evaluated: 2024-11-20. Review status: criteria provided, single submitter. Criteria: GeneDx Variant Classification Process June 2021. Collection method: clinical testing. Allele origin: germline. Affected: yes.
Comment: Not observed at significant frequency in large population cohorts (gnomAD); In silico analysis supports that this missense variant has a deleterious effect on protein structure/function; Has not been previously published as pathogenic or benign to our knowledge

NM_001374828.1(ARID1B):c.2863C>G (p.Gln955Glu)

Gene: ARID1B (AT-rich interaction domain 1B; plus strand). Cytogenetic location: 6q25.3.
Variant type: single nucleotide variant.
Coding change: c.2863C>G on transcript NM_001374828.1 (MANE Select); coding-DNA position 2863, C replaced by G.
Protein change: p.Gln955Glu; replaces glutamine 955 with glutamic acid.
Molecular consequence: missense variant.
Genome position (GRCh38, 1-based): chr6:157,148,725, C>G. VCF-style: chr6-157148725-C-G. GRCh37 (hg19) VCF-style: chr6-157469859-C-G.
Other names: c.364C>G, p.Gln122Glu (NM_001363725.2); c.2902C>G, p.Gln968Glu (NM_001371656.1, NM_001374820.1); c.2863C>G, p.Gln955Glu (NM_017519.3); c.2653C>G (NM_020732.3); short protein forms Q122E, Q955E, Q968E.
Identifiers: ClinVar variation 3900427 (VCV003900427.1).